The following is an entry in ClinVar:

NM_001378457.1(DMXL2):c.3676G>T (p.Val1226Phe)

Gene: DMXL2 (Dmx like 2; minus strand). Cytogenetic location: 15q21.2.
Variant type: single nucleotide variant.
Coding change: c.3676G>T on transcript NM_001378457.1 (MANE Select); coding-DNA position 3676, G replaced by T.
Protein change: p.Val1226Phe; replaces valine 1226 with phenylalanine.
Molecular consequence: missense variant. On other transcripts: non-coding transcript variant (2), intron variant (2).
Genome position (GRCh38, 1-based): chr15:51,499,548, C>A on the plus strand (G>T on the coding strand, the complement: DMXL2 is on the minus strand). VCF-style: chr15-51499548-C-A. GRCh37 (hg19) VCF-style: chr15-51791745-C-A.
Other names: c.3676G>T, p.Val1226Phe (NM_001174116.3, NM_001378458.1, NM_001378459.1 and 4 more transcripts); c.3436G>T, p.Val1146Phe (NM_001378464.1); c.2764+7586G>T (NM_001378460.1); c.2765-4414G>T (NM_001174117.3); c.3676G>T (NM_001174116.1); short protein forms V1146F, V1226F.
Identifiers: ClinVar variation 1713804 (VCV001713804.5), dbSNP rs747311914, ClinGen allele CA7562135.

ClinVar aggregate classification (germline): Uncertain significance. Review status: criteria provided, multiple submitters, no conflicts (2 of 4 stars). 2 submissions from 2 submitters: Uncertain significance (2). Last evaluated 2024-09-30.

Conditions:
Inborn genetic diseases. Identifiers: MedGen C0950123, MeSH D030342.

Allele frequency attached by ClinVar (database versions not stated): ExAC 0.00001.
gnomAD v4.1: 2 of 1,614,110 alleles (0.00012%); highest among the groups gnomAD compares: South Asian, 0.0022%; no homozygotes.

Submissions (2):

Ambry Genetics
Classification: Uncertain significance for Inborn genetic diseases. Last evaluated: 2024-09-30. Review status: criteria provided, single submitter. Criteria: Ambry Variant Classification Scheme 2023. Collection method: clinical testing. Allele origin: germline.

Labcorp Genetics (formerly Invitae), Labcorp
Classification: Uncertain significance. Last evaluated: 2022-07-25. Review status: criteria provided, single submitter. Criteria: Invitae Variant Classification Sherloc (09022015). Collection method: clinical testing. Allele origin: germline.
Comment: In summary, the available evidence is currently insufficient to determine the role of this variant in disease. Therefore, it has been classified as a Variant of Uncertain Significance. Algorithms developed to predict the effect of missense changes on protein structure and function are either unavailable or do not agree on the potential impact of this missense change (SIFT: "Tolerated"; PolyPhen-2: "Possibly Damaging"; Align-GVGD: "Class C0"). This variant has not been reported in the literature in individuals affected with DMXL2-related conditions. This variant is present in population databases (rs747311914, gnomAD 0.006%). This sequence change replaces valine, which is neutral and non-polar, with phenylalanine, which is neutral and non-polar, at codon 1226 of the DMXL2 protein (p.Val1226Phe).